The following is an entry in ClinVar:

ClinVar aggregate classification (germline): Likely benign (1 of 4 stars; one submission).

Submission:

CeGaT Center for Human Genetics Tuebingen
Classification: Likely benign. Last evaluated: 2026-01-01. Review status: criteria provided, single submitter. Criteria: CeGaT Center For Human Genetics Tuebingen Variant Classification Criteria Version 2. Collection method: clinical testing. Allele origin: germline. Affected: yes. Observed: 1 variant allele.
Comment: HNRNPCL1: BP4, BP7

NM_001013631.3(HNRNPCL1):c.12C>T (p.Asn4=)

Gene: HNRNPCL1 (heterogeneous nuclear ribonucleoprotein C like 1; minus strand). Cytogenetic location: 1p36.21.
Variant type: single nucleotide variant.
Coding change: c.12C>T on transcript NM_001013631.3 (MANE Select); coding-DNA position 12, C replaced by T.
Protein change: p.Asn4=; no amino-acid change (asparagine 4 retained).
Molecular consequence: synonymous variant.
Genome position (GRCh38, 1-based): chr1:12,848,278, G>A on the plus strand (C>T on the coding strand, the complement: HNRNPCL1 is on the minus strand). VCF-style: chr1-12848278-G-A. GRCh37 (hg19) VCF-style: chr1-12908131-G-A.
Identifiers: ClinVar variation 4820928 (VCV004820928.4).